The following is an entry in ClinVar:

NM_024989.4(PGAP1):c.511A>G (p.Ile171Val)

Gene: PGAP1 (post-GPI attachment to proteins inositol deacylase 1; minus strand). Cytogenetic location: 2q33.1.
Variant type: single nucleotide variant.
Coding change: c.511A>G on transcript NM_024989.4 (MANE Select); coding-DNA position 511, A replaced by G.
Protein change: p.Ile171Val; replaces isoleucine 171 with valine.
Molecular consequence: missense variant. On other transcripts: 5 prime UTR variant (2).
Genome position (GRCh38, 1-based): chr2:196,913,020, T>C on the plus strand (A>G on the coding strand, the complement: PGAP1 is on the minus strand). VCF-style: chr2-196913020-T-C. GRCh37 (hg19) VCF-style: chr2-197777744-T-C.
Other names: c.-12A>G (NM_001321099.2); c.-601A>G (NM_001321100.2); short protein forms I171V.
Identifiers: ClinVar variation 2020972 (VCV002020972.4), dbSNP rs372875380, ClinGen allele CA2041177.

ClinVar aggregate classification (germline): Uncertain significance (1 of 4 stars; one submission).

Conditions:
Intellectual disability, autosomal recessive 42 (NEDDSBA). Also called: GLYCOSYLPHOSPHATIDYLINOSITOL BIOSYNTHESIS DEFECT 9; Neurodevelopmental disorder with dysmorphic features, spasticity, and brain abnormalities. Identifiers: Orphanet 88616, MedGen C4014343, MONDO:0014348, OMIM 615802.

Allele frequency attached by ClinVar (database versions not stated): gnomAD 0.00001; TOPMed 0.00002; gnomAD exomes 0.00004; ESP Exome Variant Server 0.00008; ExAC 0.00015.
gnomAD v4.1: 56 of 1,611,392 alleles (0.0035%); highest among the groups gnomAD compares: East Asian, 0.11%; no homozygotes.

Submission:

Labcorp Genetics (formerly Invitae), Labcorp
Classification: Uncertain significance for Intellectual disability, autosomal recessive 42. Last evaluated: 2022-02-21. Review status: criteria provided, single submitter. Criteria: Invitae Variant Classification Sherloc (09022015). Collection method: clinical testing. Allele origin: germline.
Comment: This sequence change replaces isoleucine, which is neutral and non-polar, with valine, which is neutral and non-polar, at codon 171 of the PGAP1 protein (p.Ile171Val). This variant has not been reported in the literature in individuals affected with PGAP1-related conditions. Algorithms developed to predict the effect of missense changes on protein structure and function output the following: SIFT: "Tolerated"; PolyPhen-2: "Benign"; Align-GVGD: "Class C0". The valine amino acid residue is found in multiple mammalian species, which suggests that this missense change does not adversely affect protein function. In summary, the available evidence is currently insufficient to determine the role of this variant in disease. Therefore, it has been classified as a Variant of Uncertain Significance. This variant is present in population databases (rs372875380, gnomAD 0.2%).